The following is an entry in ClinVar:

ClinVar aggregate classification (germline): Likely pathogenic (1 of 4 stars; one submission).

Submission:

GeneDx
Classification: Likely pathogenic. Last evaluated: 2013-04-08. Review status: criteria provided, single submitter. Criteria: GeneDx Variant Classification (06012015). Collection method: clinical testing. Allele origin: germline. Affected: yes.
Comment: This variant is denoted p.Leu97Gln (CTG>CAG): c.290 T>A in exon 4 of the TNNC1 gene (NM_003280.2). The Leu97Gln variant in the TNNC1 gene has not been reported as a disease-causing mutation or as a benign polymorphism to our knowledge. Leu97Gln results in a non-conservative amino acid substitution of a non-polar Leucine residue with a polar Glutamine residue at a position that is conserved across species. In silico analysis predicts Leu97Gln is damaging to the protein structure/function. Mutations in nearby residues (Cys84Tyr, Met103Ile) have been reported in association with cardiomyopathy, further supporting the functional importance of this region of the protein. Furthermore, the Leu97Gln variant was not observed in approximately 6,500 individuals of European and African American ancestry in the NHLBI Exome Sequencing Project, indicating it is not a common benign variant in these populations. In summary, while Leu97Gln is a good candidate for a disease-causing mutation, with the clinical and molecular information available at this time we cannot unequivocally determine the clinical significance of this variant. The variant is found in DCM panel(s).

NM_003280.3(TNNC1):c.290T>A (p.Leu97Gln)

Gene: TNNC1 (troponin C1, slow skeletal and cardiac type; minus strand). Cytogenetic location: 3p21.1.
Variant type: single nucleotide variant.
Coding change: c.290T>A on transcript NM_003280.3 (MANE Select); coding-DNA position 290, T replaced by A.
Protein change: p.Leu97Gln; replaces leucine 97 with glutamine.
Molecular consequence: missense variant.
Genome position (GRCh38, 1-based): chr3:52,451,771, A>T on the plus strand (T>A on the coding strand, the complement: TNNC1 is on the minus strand). VCF-style: chr3-52451771-A-T. GRCh37 (hg19) VCF-style: chr3-52485787-A-T.
Other names: p.L97Q:CTG>CAG; c.290T>A (LRG_378t1); short protein forms L97Q.
Identifiers: ClinVar variation 181564 (VCV000181564.2), dbSNP rs730881059, ClinGen allele CA297319.